The following is an entry in ClinVar:

ClinVar aggregate classification (germline): Likely benign. Review status: criteria provided, multiple submitters, no conflicts (2 of 4 stars). 3 submissions from 3 submitters: Likely benign (3). Last evaluated 2026-01-25.

Conditions:
Multiple endocrine neoplasia, type 1 (MEN1). Also called: MEA I; MEN I; WERMER SYNDROME; Endocrine adenomatosis multiple; MEN 1. Identifiers: Orphanet 652, MedGen C0025267, MeSH D018761, MONDO:0007540, OMIM 131100.

Allele frequency attached by ClinVar (database versions not stated): gnomAD exomes 0.00002; gnomAD 0.00003.
gnomAD v4.1: 24 of 1,612,052 alleles (0.0015%); highest among the groups gnomAD compares: Non-Finnish European, 0.0019%; no homozygotes.

Submissions (3):

Labcorp Genetics (formerly Invitae), Labcorp
Classification: Likely benign for Multiple endocrine neoplasia, type 1. Last evaluated: 2026-01-25. Review status: criteria provided, single submitter. Criteria: Invitae Variant Classification Sherloc (09022015). Collection method: clinical testing. Allele origin: germline.

Myriad Genetics, Inc.
Classification: Likely benign for Multiple endocrine neoplasia, type 1. Last evaluated: 2024-11-04. Review status: criteria provided, single submitter. Criteria: Myriad Autosomal Dominant, Autosomal Recessive and X-Linked Classification Criteria (2023). Collection method: clinical testing. Allele origin: unknown.
Comment: This variant is considered likely benign. This variant is intronic and is not expected to impact mRNA splicing.

Blueprint Genetics
Classification: Likely benign. Last evaluated: 2021-04-07. Review status: criteria provided, single submitter. Criteria: ACMG Guidelines, 2015. Collection method: clinical testing. Allele origin: germline.

NM_001370259.2(MEN1):c.912+10T>C

Gene: MEN1 (menin 1; minus strand). Cytogenetic location: 11q13.1.
Variant type: single nucleotide variant.
Coding change: c.912+10T>C on transcript NM_001370259.2 (MANE Select); 10 bases into the intron after coding-DNA position 912, T replaced by C.
Molecular consequence: intron variant.
Genome position (GRCh38, 1-based): chr11:64,807,001, A>G on the plus strand (T>C on the coding strand, the complement: MEN1 is on the minus strand). VCF-style: chr11-64807001-A-G. GRCh37 (hg19) VCF-style: chr11-64574473-A-G.
Other names: c.927+10T>C (NM_130804.3, NM_130803.3, NM_000244.4 and 3 more transcripts); c.912+10T>C (NM_130799.3, NM_001370260.2, NM_001370251.2 and 1 more transcripts); c.807+10T>C (NM_001370263.2, NM_001370262.2).
Identifiers: ClinVar variation 742732 (VCV000742732.12), dbSNP rs1565645317, ClinGen allele CA913607138.
Genomic context (GRCh38, chr11:64,807,001, plus strand): 5'-GCCCAGATGAGGGCCCCTGCCTCAGCCACTGTTAGGGTCTCCCTTCTGCACCCTCCTTAG[A>G]TGCCCCCACCTTGTGGTAGAGGGTGAGTGGGTCTGGCCGGCCAGGGGTGGGCTCCAGCTC-3'